The following is an entry in ClinVar:

NM_002203.4(ITGA2):c.2241C>T (p.Pro747=)

Gene: ITGA2 (integrin subunit alpha 2; plus strand). Cytogenetic location: 5q11.2.
Variant type: single nucleotide variant.
Coding change: c.2241C>T on transcript NM_002203.4 (MANE Select); coding-DNA position 2241, C replaced by T.
Protein change: p.Pro747=; no amino-acid change (proline 747 retained).
Molecular consequence: synonymous variant. On other transcripts: non-coding transcript variant (5).
Genome position (GRCh38, 1-based): chr5:53,071,943, C>T. VCF-style: chr5-53071943-C-T. GRCh37 (hg19) VCF-style: chr5-52367773-C-T.
Identifiers: ClinVar variation 353762 (VCV000353762.35), dbSNP rs41366951, ClinGen allele CA3263128.

ClinVar aggregate classification (germline): Likely benign. Review status: criteria provided, multiple submitters, no conflicts (2 of 4 stars). 4 submissions from 4 submitters: Likely benign (3). 1 of the submissions does not count toward it. Last evaluated 2024-11-22.

Conditions:
ITGA2-related disorder. Also called: ITGA2-related condition.

Allele frequency attached by ClinVar (database versions not stated): gnomAD 0.00092 and 0.00091; ESP Exome Variant Server 0.00100; 1000 Genomes Project 30x 0.00031; 1000 Genomes Project 0.00040; TOPMed 0.00079; ExAC 0.00088; gnomAD exomes 0.00089.
gnomAD v4.1: 1,664 of 1,611,434 alleles (0.1%); highest among the groups gnomAD compares: Non-Finnish European, 0.12%; 3 homozygotes.

Submissions (4):

Blueprint Genetics
Classification: Likely benign. Last evaluated: 2024-11-22. Review status: criteria provided, single submitter. Criteria: ACMG Guidelines, 2015. Collection method: clinical testing. Allele origin: germline.

CeGaT Center for Human Genetics Tuebingen
Classification: Likely benign. Last evaluated: 2023-11-01. Review status: criteria provided, single submitter. Criteria: CeGaT Center For Human Genetics Tuebingen Variant Classification Criteria Version 2. Collection method: clinical testing. Allele origin: germline. Affected: yes. Observed: 2 variant alleles.
Comment: ITGA2: BP4, BP7

Labcorp Genetics (formerly Invitae), Labcorp
Classification: Likely benign. Last evaluated: 2019-12-31. Review status: criteria provided, single submitter. Criteria: Invitae Variant Classification Sherloc (09022015). Collection method: clinical testing. Allele origin: germline.

PreventionGenetics, part of Exact Sciences
Classification: Likely benign for ITGA2-related condition. Last evaluated: 2023-12-27. Review status: no assertion criteria provided. Collection method: clinical testing. Allele origin: germline. Not counted in ClinVar's aggregate classification.
Comment: This variant is classified as likely benign based on ACMG/AMP sequence variant interpretation guidelines (Richards et al. 2015 PMID: 25741868, with internal and published modifications).